The following is an entry in ClinVar:

ClinVar aggregate classification (germline): Uncertain significance (1 of 4 stars; one submission).

gnomAD v4.1: 1 of 1,613,376 alleles (0.000062%); highest among the groups gnomAD compares: Non-Finnish European, 0.000085%; no homozygotes.

Submission:

Labcorp Genetics (formerly Invitae), Labcorp
Classification: Uncertain significance. Last evaluated: 2025-08-12. Review status: criteria provided, single submitter. Criteria: Invitae Variant Classification Sherloc (09022015). Collection method: clinical testing. Allele origin: germline.
Comment: This sequence change replaces serine, which is neutral and polar, with leucine, which is neutral and non-polar, at codon 1604 of the ROBO1 protein (p.Ser1604Leu). This variant is not present in population databases (gnomAD no frequency). This variant has not been reported in the literature in individuals affected with ROBO1-related conditions. Invitae Evidence Modeling of protein sequence and biophysical properties (such as structural, functional, and spatial information, amino acid conservation, physicochemical variation, residue mobility, and thermodynamic stability) indicates that this missense variant is not expected to disrupt ROBO1 protein function with a negative predictive value of 95%. In summary, the available evidence is currently insufficient to determine the role of this variant in disease. Therefore, it has been classified as a Variant of Uncertain Significance.

NM_002941.4(ROBO1):c.4811C>T (p.Ser1604Leu)

Gene: ROBO1 (roundabout guidance receptor 1; minus strand). Cytogenetic location: 3p12.3.
Variant type: single nucleotide variant.
Coding change: c.4811C>T on transcript NM_002941.4 (MANE Select); coding-DNA position 4811, C replaced by T.
Protein change: p.Ser1604Leu; replaces serine 1604 with leucine.
Molecular consequence: missense variant.
Genome position (GRCh38, 1-based): chr3:78,600,243, G>A on the plus strand (C>T on the coding strand, the complement: ROBO1 is on the minus strand). VCF-style: chr3-78600243-G-A. GRCh37 (hg19) VCF-style: chr3-78649393-G-A.
Other names: c.4511C>T, p.Ser1504Leu (NM_001145845.2); c.4676C>T, p.Ser1559Leu (NM_133631.4); short protein forms S1504L, S1559L, S1604L.
Identifiers: ClinVar variation 4780479 (VCV004780479.1).
Genomic context (GRCh38, chr3:78,600,243, plus strand): 5'-CGACCTACATTTGCTTGTTCTCTTTGTCTGCTTCCTGATCCTCTTGATGACATTGAGCTT[G>A]AGGAACTGGGATCTCTGGGATTATTTGATGTTGGAAAAGTAGGTCTACAATAAGGTAGAA-3'
Protein context (NP_002932.1, residues 1594-1614): TSNNPRDPSS[Ser1604Leu]SSMSSRGSGS